The following is an entry in ClinVar:

NM_002437.5(MPV17):c.190C>T (p.Pro64Ser)

Gene: MPV17 (mitochondrial inner membrane protein MPV17; minus strand). Cytogenetic location: 2p23.3.
Variant type: single nucleotide variant.
Coding change: c.190C>T on transcript NM_002437.5 (MANE Select); coding-DNA position 190, C replaced by T.
Protein change: p.Pro64Ser; replaces proline 64 with serine.
Molecular consequence: missense variant.
Genome position (GRCh38, 1-based): chr2:27,312,769, G>A on the plus strand (C>T on the coding strand, the complement: MPV17 is on the minus strand). VCF-style: chr2-27312769-G-A. GRCh37 (hg19) VCF-style: chr2-27535636-G-A.
Other names: c.190C>T (NM_002437.4); short protein forms P64S.
Identifiers: ClinVar variation 2026719 (VCV002026719.8), dbSNP rs2465683495, ClinGen allele CA346209046.
Genomic context (GRCh38, chr2:27,312,769, plus strand): 5'-CCACTTTGGTGGTGCCAGGGATGAACCGATCCAAAACCTTGTACCAGCCTCCTACCACAG[G>A]GCCCTGGAAGTAAACCCCAGATAGCAGCAGGCTGCAGTGAGGGAGCCCTAGGCCTCTACC-3'
Protein context (NP_002428.1, residues 54-74): MVSLGCGFVG[Pro64Ser]VVGGWYKVLD

ClinVar aggregate classification (germline): Conflicting classifications of pathogenicity. Review status: criteria provided, conflicting classifications (1 of 4 stars). 3 submissions from 3 submitters: Pathogenic (1); Likely pathogenic (1); Uncertain significance (1). Last evaluated 2024-07-20.

Conditions:
Charcot-Marie-Tooth disease, axonal, type 2EE. Also called: CHARCOT-MARIE-TOOTH NEUROPATHY, TYPE 2EE. Identifiers: MedGen C5193076, MONDO:0032728, OMIM 618400.

Allele frequency attached by ClinVar (database versions not stated): gnomAD exomes below 0.00001.
gnomAD v4.1: 4 of 1,613,994 alleles (0.00025%); highest among the groups gnomAD compares: South Asian, 0.0033%; no homozygotes.

Submissions (3):

Genetics and Genomic Medicine Centre, NeuroGen Healthcare, NeuroGen Healthcare
Classification: Pathogenic for Charcot-Marie-Tooth disease, axonal, type 2EE. Last evaluated: 2024-07-20. Review status: criteria provided, single submitter. Criteria: ACMG Guidelines, 2015. Collection method: clinical testing. Allele origin: unknown. Affected: yes.

Labcorp Genetics (formerly Invitae), Labcorp
Classification: Likely pathogenic. Last evaluated: 2023-09-17. Review status: criteria provided, single submitter. Criteria: Invitae Variant Classification Sherloc (09022015). Collection method: clinical testing. Allele origin: germline.
Comment: This variant has not been reported in the literature in individuals affected with MPV17-related conditions. ClinVar contains an entry for this variant (Variation ID: 2026719). Advanced modeling of protein sequence and biophysical properties (such as structural, functional, and spatial information, amino acid conservation, physicochemical variation, residue mobility, and thermodynamic stability) performed at Invitae indicates that this missense variant is expected to disrupt MPV17 protein function. This variant disrupts the p.Pro64 amino acid residue in MPV17. Other variant(s) that disrupt this residue have been determined to be pathogenic (PMID: 23714749, 23829229). This suggests that this residue is clinically significant, and that variants that disrupt this residue are likely to be disease-causing. In summary, the currently available evidence indicates that the variant is pathogenic, but additional data are needed to prove that conclusively. Therefore, this variant has been classified as Likely Pathogenic. This variant is not present in population databases (gnomAD no frequency). This sequence change replaces proline, which is neutral and non-polar, with serine, which is neutral and polar, at codon 64 of the MPV17 protein (p.Pro64Ser).

Revvity Omics, Revvity
Classification: Uncertain significance. Last evaluated: 2019-01-03. Review status: criteria provided, single submitter. Criteria: ACMG Guidelines, 2015. Collection method: clinical testing. Allele origin: germline.

Literature cited by the submitters: PubMed 23714749 (cited by Labcorp Genetics (formerly Invitae), Labcorp); PubMed 23829229 (cited by Labcorp Genetics (formerly Invitae), Labcorp).